The following is an entry in ClinVar:

NM_000212.3(ITGB3):c.1732G>A (p.Asp578Asn)

Gene: ITGB3 (integrin subunit beta 3; plus strand). Cytogenetic location: 17q21.32.
Variant type: single nucleotide variant.
Coding change: c.1732G>A on transcript NM_000212.3 (MANE Select); coding-DNA position 1732, G replaced by A.
Protein change: p.Asp578Asn; replaces aspartic acid 578 with asparagine.
Molecular consequence: missense variant.
Genome position (GRCh38, 1-based): chr17:47,299,349, G>A. VCF-style: chr17-47299349-G-A. GRCh37 (hg19) VCF-style: chr17-45376715-G-A.
Other names: short protein forms D578N.
Identifiers: ClinVar variation 996177 (VCV000996177.7), dbSNP rs141912699, ClinGen allele CA8623343.

ClinVar aggregate classification (germline): Uncertain significance. Review status: reviewed by expert panel (3 of 4 stars). 5 submissions from 5 submitters: Uncertain significance (1). 4 of the submissions do not count toward it. Last evaluated 2024-01-04.

Conditions:
Glanzmann thrombasthenia. Also called: THROMBASTHENIA OF GLANZMANN AND NAEGELI; Thrombasthenia; Glanzmann's thrombasthenia; PLATELET GLYCOPROTEIN IIb-IIIa DEFICIENCY. Identifiers: Orphanet 849, MedGen C0040015, MONDO:0100326.

gnomAD v4.1: 33 of 1,614,024 alleles (0.002%); highest among the groups gnomAD compares: Middle Eastern, 0.21%; no homozygotes.

Submissions (5):

ClinGen Platelet Disorders Variant Curation Expert Panel, ClinGen
Classification: Uncertain significance for Glanzmann thrombasthenia. Last evaluated: 2024-01-04. Review status: reviewed by expert panel. Criteria: ClinGen Platelet ACMG Specifications v2-1. Collection method: curation. Allele origin: germline. Inheritance: Autosomal recessive inheritance.
Comment: NM_000212.3(ITGB3):c.1732G>A (p.Asp578Asn) is a missense variant which has been reported in at least one proband (GT3) by PMID:25728920. This variant has been reported to occur in cis with a platelet disorder VCEP classified Pathogenic variant (p.Ser237CysfsTer13; BP2). The highest population minor allele frequency in gnomAD v4.0.0 is 0.002137 (13/6084 alleles) in the Middle Eastern population, which is higher than the ClinGen PD VCEP threshold (>0.00158), and therefore meets this criterion (BS1). In silico tools (REVEL score =0.81) predict a deleterious effect on the gene product (PP3). GT specific criteria applied are BS1, BP2 and PP3 and this variant is classified as a variant of uncertain significance for autosomal recessive Glanzmann thrombasthenia.

Labcorp Genetics (formerly Invitae), Labcorp
Classification: Uncertain significance. Last evaluated: 2025-06-03. Review status: criteria provided, single submitter. Criteria: Invitae Variant Classification Sherloc (09022015). Collection method: clinical testing. Allele origin: germline. Not counted in ClinVar's aggregate classification.
Comment: This sequence change replaces aspartic acid, which is acidic and polar, with asparagine, which is neutral and polar, at codon 578 of the ITGB3 protein (p.Asp578Asn). This variant is present in population databases (rs141912699, gnomAD 0.006%). This variant has not been reported in the literature in individuals affected with ITGB3-related conditions. ClinVar contains an entry for this variant (Variation ID: 996177). Invitae Evidence Modeling of protein sequence and biophysical properties (such as structural, functional, and spatial information, amino acid conservation, physicochemical variation, residue mobility, and thermodynamic stability) indicates that this missense variant is not expected to disrupt ITGB3 protein function with a negative predictive value of 80%. In summary, the available evidence is currently insufficient to determine the role of this variant in disease. Therefore, it has been classified as a Variant of Uncertain Significance.

Women's Health and Genetics/Laboratory Corporation of America, LabCorp
Classification: Uncertain significance. Last evaluated: 2024-08-12. Review status: criteria provided, single submitter. Criteria: LabCorp Variant Classification Summary - May 2015. Collection method: clinical testing. Allele origin: germline. Not counted in ClinVar's aggregate classification.
Comment: Variant summary: ITGB3 c.1732G>A (p.Asp578Asn) results in a conservative amino acid change in the encoded protein sequence. Three of five in-silico tools predict a damaging effect of the variant on protein function. The variant allele was found at a frequency of 3.6e-05 in 251382 control chromosomes (gnomAD). The available data on variant occurrences in the general population are insufficient to allow any conclusion about variant significance. c.1732G>A has been reported in the literature in at least an individual affected with Glanzmann Thrombasthenia 2 where it was seen in cis with another pathogenic variant (example: Nurden_2014) These report(s) do not provide unequivocal conclusions about association of the variant with Glanzmann Thrombasthenia 2. To our knowledge, no experimental evidence demonstrating an impact on protein function has been reported. The following publications have been ascertained in the context of this evaluation (PMID: 25728920, 27469266, 37647632). ClinVar contains an entry for this variant (Variation ID: 996177). Based on the evidence outlined above, the variant was classified as uncertain significance.

Blueprint Genetics
Classification: Uncertain significance. Last evaluated: 2023-06-13. Review status: criteria provided, single submitter. Criteria: ACMG Guidelines, 2015. Collection method: clinical testing. Allele origin: germline. Not counted in ClinVar's aggregate classification.

Breakthrough Genomics
Classification: Uncertain significance. Review status: criteria provided, single submitter. Criteria: ACMG Guidelines, 2015. Collection method: not provided. Allele origin: germline. Inheritance: Autosomal recessive inheritance. Affected: yes. Not counted in ClinVar's aggregate classification.

Literature cited by the submitters: PubMed 25728920 (cited by Women's Health and Genetics/Laboratory Corporation of America, LabCorp); PubMed 27469266 (cited by Women's Health and Genetics/Laboratory Corporation of America, LabCorp); PubMed 37647632 (cited by Women's Health and Genetics/Laboratory Corporation of America, LabCorp).